The following is an entry in ClinVar:

ClinVar aggregate classification (germline): Conflicting classifications of pathogenicity. Review status: criteria provided, conflicting classifications (1 of 4 stars). 6 submissions from 5 submitters: Uncertain significance (1); Likely benign (4). 1 of the submissions does not count toward it. Last evaluated 2025-11-12.

Conditions:
Neuronopathy, distal hereditary motor, type 7B. Also called: HMN VIIB; LOWER MOTOR NEURON DISEASE, DYNACTIN TYPE; Distal Hereditary Motor Neuronopathy Type 7B (dHMN7B); NEURONOPATHY, DISTAL HEREDITARY MOTOR, AUTOSOMAL DOMINANT 14; NEURONOPATHY, DISTAL HEREDITARY MOTOR, HARDING TYPE VIIB; NEUROPATHY, DISTAL HEREDITARY MOTOR, HARDING TYPE VIIB. Identifiers: Orphanet 139589, MedGen C1843315, MONDO:0011879, OMIM 607641.
DCTN1-related disorder. Also called: DCTN1-related condition.
Perry syndrome. Also called: PARKINSONISM WITH ALVEOLAR HYPOVENTILATION AND MENTAL DEPRESSION. Identifiers: Orphanet 178509, MedGen C1868594, MONDO:0008201, OMIM 168605.
Inborn genetic diseases. Identifiers: MedGen C0950123, MeSH D030342.
Amyotrophic lateral sclerosis type 1 (ALS1). Also called: AMYOTROPHIC LATERAL SCLEROSIS 1, FAMILIAL. Identifiers: Orphanet 803, MedGen C1862939, MONDO:0007103, OMIM 105400.

Allele frequency attached by ClinVar (database versions not stated): gnomAD 0.00001; TOPMed 0.00001; ExAC 0.00003; gnomAD exomes 0.00003.

Submissions (6):

Labcorp Genetics (formerly Invitae), Labcorp
Classification: Likely benign for Amyotrophic lateral sclerosis type 1; Neuronopathy, distal hereditary motor, type 7B; Perry syndrome. Last evaluated: 2025-11-12. Review status: criteria provided, single submitter. Criteria: Invitae Variant Classification Sherloc (09022015). Collection method: clinical testing. Allele origin: germline.

Ambry Genetics
Classification: Likely benign for Inborn genetic diseases. Last evaluated: 2025-06-12. Review status: criteria provided, single submitter. Criteria: Ambry Variant Classification Scheme 2023. Collection method: clinical testing. Allele origin: germline.

ARUP Laboratories, Molecular Genetics and Genomics, ARUP Laboratories
Classification: Likely benign. Last evaluated: 2024-11-21. Review status: criteria provided, single submitter. Criteria: ARUP Molecular Germline Variant Investigation Process 2024. Collection method: clinical testing. Allele origin: germline.

Illumina Laboratory Services, Illumina
Classification: Likely benign for Perry syndrome. Last evaluated: 2017-04-28. Review status: criteria provided, single submitter. Criteria: ICSL Variant Classification Criteria 13 December 2019. Collection method: clinical testing. Allele origin: germline.
Comment: This variant was observed as part of a predisposition screen in an ostensibly healthy population. A literature search was performed for the gene, cDNA change, and amino acid change (where applicable). No publications were found based on this search. Allele frequency data from public databases allowed determination this variant is unlikely to cause disease. Therefore, this variant is classified as likely benign.

Illumina Laboratory Services, Illumina
Classification: Uncertain significance for Neuronopathy, distal hereditary motor, type 7B. Last evaluated: 2017-04-28. Review status: criteria provided, single submitter. Criteria: ICSL Variant Classification Criteria 13 December 2019. Collection method: clinical testing. Allele origin: germline.

PreventionGenetics, part of Exact Sciences
Classification: Likely benign for DCTN1-related condition. Last evaluated: 2022-09-29. Review status: no assertion criteria provided. Collection method: clinical testing. Allele origin: germline. Not counted in ClinVar's aggregate classification.
Comment: This variant is classified as likely benign based on ACMG/AMP sequence variant interpretation guidelines (Richards et al. 2015 PMID: 25741868, with internal and published modifications).

NM_004082.5(DCTN1):c.1059C>T (p.Gly353=)

Gene: DCTN1 (dynactin subunit 1; minus strand). Cytogenetic location: 2p13.1.
Variant type: single nucleotide variant.
Coding change: c.1059C>T on transcript NM_004082.5 (MANE Select); coding-DNA position 1059, C replaced by T.
Protein change: p.Gly353=; no amino-acid change (glycine 353 retained).
Molecular consequence: synonymous variant. On other transcripts: non-coding transcript variant (1).
Genome position (GRCh38, 1-based): chr2:74,370,534, G>A on the plus strand (C>T on the coding strand, the complement: DCTN1 is on the minus strand). VCF-style: chr2-74370534-G-A. GRCh37 (hg19) VCF-style: chr2-74597661-G-A.
Other names: c.999C>T, p.Gly333= (NM_001135040.3); c.657C>T, p.Gly219= (NM_001135041.3, NM_023019.4); c.948C>T, p.Gly316= (NM_001190836.2); c.1038C>T, p.Gly346= (NM_001190837.2); c.1008C>T, p.Gly336= (NM_001378991.1); c.990C>T, p.Gly330= (NM_001378992.1).
Identifiers: ClinVar variation 898644 (VCV000898644.16), dbSNP rs771325809, ClinGen allele CA1722254.